The following is an entry in ClinVar:

ClinVar aggregate classification (germline): Uncertain significance (1 of 4 stars; one submission).

Conditions:
Retinitis pigmentosa 73 (RP73). Identifiers: Orphanet 791, MedGen C4225287, MONDO:0014687, OMIM 616544.
Mucopolysaccharidosis, MPS-III-C (MPS3C). Also called: SANFILIPPO SYNDROME C; mucopolysaccharidosis type 3C; Mucopolysaccharidosis type IIIC (Sanfilippo C); MPS IIIC (Sanfilippo Syndrome Type C); MUCOPOLYSACCHARIDOSIS, TYPE IIIC; MPS III C. Identifiers: Orphanet 581, Orphanet 79271, MedGen C0086649, MONDO:0009657, OMIM 252930.

Submission:

Labcorp Genetics (formerly Invitae), Labcorp
Classification: Uncertain significance for Retinitis pigmentosa 73; Mucopolysaccharidosis, MPS-III-C. Last evaluated: 2019-11-07. Review status: criteria provided, single submitter. Criteria: Invitae Variant Classification Sherloc (09022015). Collection method: clinical testing. Allele origin: germline.
Comment: This variant results in a copy number gain of the genomic region encompassing the full coding sequence of the HGSNAT gene. The boundaries of this event are unknown as they extend beyond the assayed region for this gene and therefore may encompass additional genes. As the precise location of this event is unknown, it may be in tandem or it may be located elsewhere in the genome. This variant has not been reported in the literature in individuals with HGSNAT-related conditions. In summary, the available evidence is currently insufficient to determine the role of this variant in disease. Therefore, it has been classified as a Variant of Uncertain Significance.

NC_000008.11:g.(?_43139449)_(43203827_?)dup

Gene: HGSNAT (heparan-alpha-glucosaminide N-acetyltransferase; plus strand). Cytogenetic location: 8p11.21.
Variant type: Duplication.
Identifiers: ClinVar variation 830854 (VCV000830854.2).